The following is an entry in ClinVar:

NM_004706.4(ARHGEF1):c.2257G>A (p.Ala753Thr)

Gene: ARHGEF1 (Rho guanine nucleotide exchange factor 1; plus strand). Cytogenetic location: 19q13.2.
Variant type: single nucleotide variant.
Coding change: c.2257G>A on transcript NM_004706.4 (MANE Select); coding-DNA position 2257, G replaced by A.
Protein change: p.Ala753Thr; replaces alanine 753 with threonine.
Molecular consequence: missense variant. On other transcripts: non-coding transcript variant (1).
Genome position (GRCh38, 1-based): chr19:41,905,182, G>A. VCF-style: chr19-41905182-G-A. GRCh37 (hg19) VCF-style: chr19-42409334-G-A.
Other names: c.2425G>A, p.Ala809Thr (NM_001396000.1); c.2158G>A, p.Ala720Thr (NM_001396002.1, NM_001396004.1, NM_198977.2); c.2257G>A, p.Ala753Thr (NM_001396003.1, NM_001396006.1); c.2302G>A, p.Ala768Thr (NM_199002.2); short protein forms A720T, A809T, A753T, A768T.
Identifiers: ClinVar variation 2869806 (VCV002869806.3), dbSNP rs2513916326, ClinGen allele CA406065517.

ClinVar aggregate classification (germline): Uncertain significance (1 of 4 stars; one submission).

Allele frequency attached by ClinVar (database versions not stated): gnomAD exomes below 0.00001.
gnomAD v4.1: 3 of 1,614,008 alleles (0.00019%); highest among the groups gnomAD compares: Middle Eastern, 0.017%; no homozygotes.

Submission:

Labcorp Genetics (formerly Invitae), Labcorp
Classification: Uncertain significance. Last evaluated: 2023-12-05. Review status: criteria provided, single submitter. Criteria: Invitae Variant Classification Sherloc (09022015). Collection method: clinical testing. Allele origin: germline.
Comment: This sequence change replaces alanine, which is neutral and non-polar, with threonine, which is neutral and polar, at codon 768 of the ARHGEF1 protein (p.Ala768Thr). This variant is not present in population databases (gnomAD no frequency). This variant has not been reported in the literature in individuals affected with ARHGEF1-related conditions. Algorithms developed to predict the effect of missense changes on protein structure and function output the following: SIFT: "Not Available"; PolyPhen-2: "Benign"; Align-GVGD: "Not Available". The threonine amino acid residue is found in multiple mammalian species, which suggests that this missense change does not adversely affect protein function. In summary, the available evidence is currently insufficient to determine the role of this variant in disease. Therefore, it has been classified as a Variant of Uncertain Significance.